The following is an entry in ClinVar:

NM_000222.3(KIT):c.1669_1674del (p.Trp557_Lys558del)

Gene: KIT (KIT proto-oncogene, receptor tyrosine kinase; plus strand). Cytogenetic location: 4q12.
Variant type: Deletion.
Coding change: c.1669_1674del on transcript NM_000222.3 (MANE Select); coding-DNA positions 1669 to 1674, 6 bases deleted (TGGAAG; older notation c.1669_1674delTGGAAG).
Protein change: p.Trp557_Lys558del.
Molecular consequence: inframe deletion.
Genome position (GRCh38, 1-based): chr4:54,727,437-54,727,442, TGGAAG deleted; deleting any 6 consecutive bases within chr4:54,727,435-54,727,442 gives the same sequence; the c. name uses the placement nearest the transcript's 3' end. VCF-style (leftmost placement, unchanged base first): chr4-54727434-CAGTGGA-C. GRCh37 (hg19) VCF-style: chr4-55593600-CAGTGGA-C.
Other names: Trp557_Lys558del; c.1657_1662del, p.Trp553_Lys554del (NM_001093772.2, NM_001385286.1); c.1672_1677del, p.Trp558_Lys559del (NM_001385284.1, NM_001385290.1); c.1669_1674del, p.Trp557_Lys558del (NM_001385285.1); c.1660_1665del, p.Trp554_Lys555del (NM_001385288.1, NM_001385292.1).
Identifiers: ClinVar variation 222957 (VCV000222957.3), dbSNP rs869025568, ClinGen allele CA356974.

ClinVar aggregate classification (germline): Likely pathogenic (1 of 4 stars; one submission).
ClinVar aggregate classification (oncogenicity): Likely oncogenic (0 of 4 stars; one submission).

Conditions:
Gastrointestinal stromal tumor. Also called: Gastrointestinal stromal tumor, somatic; Gastrointestinal stroma tumor. Identifiers: Orphanet 44890, MedGen C0238198, MeSH D046152, MONDO:0011719, OMIM 606764, HP:0100723.

Submissions (2):

QMC Molecular Diagnostics, Queen's Medical Center
Classification: Likely pathogenic for Gastrointestinal stromal tumor. Last evaluated: 2016-02-25. Review status: criteria provided, single submitter. Criteria: Submitter's publication. Collection method: clinical testing. Allele origin: unknown. Affected: yes.
Comment: Based on OMIM - Hirota et. al research on GIST molecular profiles. Juxtaposition membrane domain deletions have a consequential affect on physiology and developing GIST. Though not specifically identified in Pubmed ID - 9438854, the active protein region affected here is encompassed by findings from the paper so the significance is likely pathogenic.

National Institute of Cancer Research, National Health Research Institutes
Classification: Likely oncogenic for Gastrointestinal stromal tumor. Review status: no assertion criteria provided. Collection method: research. Allele origin: somatic. Affected: yes. Observed: 15 variant alleles.
Comment: clinical data